The following is an entry in ClinVar:

NM_004985.5(KRAS):c.436G>A (p.Ala146Thr)

Gene: KRAS (KRas proto-oncogene, GTPase; minus strand). Cytogenetic location: 12p12.1.
Variant type: single nucleotide variant.
Coding change: c.436G>A on transcript NM_004985.5 (MANE Select); coding-DNA position 436, G replaced by A.
Protein change: p.Ala146Thr; replaces alanine 146 with threonine.
Molecular consequence: missense variant.
Genome position (GRCh38, 1-based): chr12:25,225,628, C>T on the plus strand (G>A on the coding strand, the complement: KRAS is on the minus strand). VCF-style: chr12-25225628-C-T. GRCh37 (hg19) VCF-style: chr12-25378562-C-T.
Other names: c.436G>A, p.Ala146Thr (NM_001369786.1, NM_001369787.1, NM_033360.4); short protein forms A146T.
Identifiers: ClinVar variation 197243 (VCV000197243.51), dbSNP rs121913527, ClinGen allele CA245262.
Genomic context (GRCh38, chr12:25,225,628, plus strand): 5'-ATGATTTTGCAGAAAACAGATCTGTATTTATTTCAGTGTTACTTACCTGTCTTGTCTTTG[C>T]TGATGTTTCAATAAAAGGAATTCCATAACTTCTTGCTAAGTCCTGAGCCTGTTTTGTGTC-3'
Protein context (NP_004976.2, residues 136-156): SYGIPFIETS[Ala146Thr]KTRQGVDDAF

ClinVar aggregate classification (germline): Conflicting classifications of pathogenicity. Review status: criteria provided, conflicting classifications (1 of 4 stars). 9 submissions from 9 submitters: Pathogenic (4); Likely pathogenic (1); Uncertain significance (2). 2 of the submissions do not count toward it. Last evaluated 2025-02-24.
ClinVar aggregate classification (somatic clinical impact): Tier I - Strong. Review status: criteria provided, single submitter (1 of 4 stars). 2 submissions from 1 submitter. Last evaluated 2025-02-12.
ClinVar aggregate classification (oncogenicity): Oncogenic (1 of 4 stars; one submission).

Conditions:
Vascular malformation. Also called: Vascular malformations. Identifiers: MedGen C0158570, MONDO:0024291.
KRAS-related disorder. Also called: KRAS-related condition; KRAS-related disorders.
OCULOECTODERMAL SYNDROME, SOMATIC.
Encephalocraniocutaneous lipomatosis (ECCL). Identifiers: Orphanet 2396, MedGen C0406612, MONDO:0013074, OMIM 613001.
Cardiofaciocutaneous syndrome 2 (CFC2). Also called: KRAS-Related Cardiofaciocutaneous Syndrome. Identifiers: Orphanet 1340, MedGen C3809005, MONDO:0014112, OMIM 615278.
RASopathy. Also called: rasopathies; Noonan spectrum disorder. Identifiers: Orphanet 536391, MedGen C5555857, MONDO:0021060.
Classic Hodgkin lymphoma (CHL). Also called: Hodgkin lymphoma. Identifiers: Orphanet 391, MedGen C0019829, MONDO:0009348, OMIM 236000, HP:0012189.
Adenocarcinoma of the large intestine. Identifiers: MedGen C1319315, MONDO:0005008, HP:0040275.
Germinoma. Also called: Germinoma (disease). Identifiers: MedGen C0206660, MONDO:0002598, HP:0100620.
Neoplasm. Also called: Neoplasms; Neoplasm (disease); tumor. Identifiers: MedGen C0027651, MeSH D009369, MONDO:0005070, HP:0002664.

gnomAD v4.1: 3 of 1,612,834 alleles (0.00019%); highest among the groups gnomAD compares: Non-Finnish European, 0.00017%; no homozygotes.

Submissions (12):

Center for Genomic Medicine, Rigshospitalet, Copenhagen University Hospital
Classification: Oncogenic for Neoplasm. Last evaluated: 2026-10-16. Review status: criteria provided, single submitter. Criteria: ClinGen/CGC/VICC Guidelines for Oncogenicity, 2022. Collection method: clinical testing. Allele origin: somatic. Affected: yes.

Clinical Genomics Laboratory, Washington University in St. Louis
Classification: Pathogenic for Vascular malformation. Last evaluated: 2025-02-24. Review status: criteria provided, single submitter. Criteria: Leon-Quintero et al. (Clin Genet. 2025). Collection method: clinical testing. Allele origin: somatic. Affected: yes.
Comment: A KRAS c.436G>A (p.Ala146Thr) variant was identified at an allelic fraction consistent with somatic origin. This variant has been identified in several individuals with mosaic RASopathies, particularly oculoectodermal syndrome, but also in an individual with encephalocraniocutaneous lipomatosis and an individual with a vascular malformation (Chacon-Camacho OF et al., PMID: 30891959; Boppudi S et al., PMID: 26970110; McDonell LM et al., PMID: 30289595; Ten Broek RW et al., PMID: 30677207). It has been reported in the ClinVar database as a likely pathogenic/pathogenic germline variant by three submitters (ClinVar Variation ID: 197243) and has been identified as a somatic variant in various types of malignancies in the cancer database COSMIC (Genomic mutation ID: COSV55501778). The KRAS c.436G>A (p.Ala146Thr) variant is only observed on 3/1,612,834 alleles in the general population (gnomAD v.4.1.0). Other variants in the same codon, c.437C>T (p. Ala146Val); c.436G>C (p.Ala146Pro); have been reported and are considered pathogenic (Chacon-Camacho OF et al., PMID: 30891959; ClinVar Variation ID's: 375962, 375963). Computational predictors indicate that the variant is damaging, evidence that correlates with impact to KRAS function. In support of this prediction, functional studies on the p.Ala146Thr variant showed elevated RAS-GTP and phosphorylated extracellular signal-regulated kinase (ERK) expression compared with wild-type RAS, but lower RAS-GTP levels compared to those bearing the canonical G12/13D mutations, however, all the KRAS-mutated cells displayed KRAS addiction (Puliga E et al., PMID: 38261067; Janakiraman M et al., PMID: 20570890). The KRAS gene is defined by the ClinGen RASopathy expert panel as a gene that has a low rate of benign missense variation and where pathogenic missense variants are a common mechanism of disease (Gelb BD et al., PMID: 29493581). Based on an internally developed protocol informed by the ACMG/AMP guidelines (Leon-Quintero FZ, et al., PMID: 39434542) and gene-specific practices from the ClinGen Criteria Specification Registry, the KRAS c.436G>A (p.Ala146Thr) variant is classified as pathogenic.

Institute for Genomic Medicine (IGM) Clinical Laboratory, Nationwide Children's Hospital
Classification: Tier I - Strong for Germinoma. Assertion type: diagnostic. Clinical significance: supports diagnosis. Last evaluated: 2025-02-12. Review status: criteria provided, single submitter. Criteria: AMP/ASCO/CAP Guidelines, 2017. Collection method: clinical testing. Allele origin: somatic. Affected: yes.
Comment: Variant has Tier I (strong) clinical significance as a diagnostic inclusion criterion in germinoma, based on the following evidence: 1) Documented in one or more cancer databases (e.g., St. Jude Pecan, COSMIC, CIViC, OncoKB). 2) Appears in one or more well-established professional guidelines (e.g., World Health Organization [WHO]; National Comprehensive Cancer Network [NCCN]) as providing diagnostic, prognostic, or therapeutic information. 3) Information in the literature supports potential biologic effect of variant (PMIDs: 20147967, 34117033, 20570890). 4) Diagnostic for a specific tumor type/classification based on well-powered studies with expert-level consensus (Evidence Level B; PMIDs: 24896186, 27391150, 24452629).

Institute for Genomic Medicine (IGM) Clinical Laboratory, Nationwide Children's Hospital
Classification: Tier I - Strong for Adenocarcinoma of the large intestine. Assertion type: diagnostic. Clinical significance: supports diagnosis. Last evaluated: 2025-01-10. Review status: criteria provided, single submitter. Criteria: AMP/ASCO/CAP Guidelines, 2017. Collection method: clinical testing. Allele origin: somatic. Affected: yes.
Comment: Variant has Tier I (strong) clinical significance as a diagnostic inclusion criterion in colorectal adenocarcinoma, based on the following evidence: 1) Documented in one or more cancer databases (e.g., St. Jude Pecan, COSMIC, CIViC, OncoKB). 2) Appears in one or more well-established professional guidelines (e.g., World Health Organization [WHO]; National Comprehensive Cancer Network [NCCN]) as providing diagnostic, prognostic, or therapeutic information. 3) Information in the literature supports potential biologic effect of variant (PMIDs: 20147967, 34117033, 20570890). 4) Diagnostic for a specific tumor type/classification based on well-powered studies with expert-level consensus (Evidence Level B; PMIDs: 20147967, 34117033, 20570890, 22810696, 27325016).

Labcorp Genetics (formerly Invitae), Labcorp
Classification: Likely pathogenic for RASopathy. Last evaluated: 2024-10-02. Review status: criteria provided, single submitter. Criteria: Invitae Variant Classification Sherloc (09022015). Collection method: clinical testing. Allele origin: germline.
Comment: This sequence change replaces alanine, which is neutral and non-polar, with threonine, which is neutral and polar, at codon 146 of the KRAS protein (p.Ala146Thr). This variant is not present in population databases (gnomAD no frequency). This variant has not been reported in the literature in individuals affected with KRAS-related conditions. ClinVar contains an entry for this variant (Variation ID: 197243). Invitae Evidence Modeling incorporating data from in vitro experimental studies (internal data) indicates that this missense variant is expected to disrupt KRAS function with a positive predictive value of 95%. Experimental studies have shown that this missense change affects KRAS function (PMID: 20147967, 20570890, 26110767). This variant disrupts the p.Ala146 amino acid residue in KRAS. Other variant(s) that disrupt this residue have been determined to be pathogenic (internal data). This suggests that this residue is clinically significant, and that variants that disrupt this residue are likely to be disease-causing. In summary, the currently available evidence indicates that the variant is pathogenic, but additional data are needed to prove that conclusively. Therefore, this variant has been classified as Likely Pathogenic.

Greenwood Genetic Center Diagnostic Laboratories, Greenwood Genetic Center
Classification: Pathogenic for Cardiofaciocutaneous syndrome 2. Last evaluated: 2024-01-30. Review status: criteria provided, single submitter. Criteria: ACMG Guidelines, 2015. Collection method: clinical testing. Allele origin: germline. Affected: yes.
Comment: PS3, SP4, PM1

CeGaT Center for Human Genetics Tuebingen
Classification: Pathogenic. Last evaluated: 2023-01-01. Review status: criteria provided, single submitter. Criteria: CeGaT Center For Human Genetics Tuebingen Variant Classification Criteria Version 2. Collection method: clinical testing. Allele origin: germline. Affected: yes. Observed: 1 variant allele.

Blueprint Genetics
Classification: Pathogenic for KRAS-related disorders. Last evaluated: 2022-10-17. Review status: criteria provided, single submitter. Criteria: ACMG Guidelines, 2015. Collection method: clinical testing. Allele origin: de novo. Affected: yes. Observed: 5 variant alleles.

Pathology Department, Puerta del Mar University Hospital
Classification: Uncertain significance for Classic Hodgkin lymphoma. Last evaluated: 2021-10-01. Review status: criteria provided, single submitter. Criteria: PMID: 32934698. Collection method: research. Allele origin: somatic. Affected: yes.

Eurofins Ntd Llc (ga)
Classification: Uncertain significance. Last evaluated: 2014-06-06. Review status: criteria provided, single submitter. Criteria: EGL Classification Definitions 2015. Collection method: clinical testing. Allele origin: germline. Observed: 1 variant allele, 1 heterozygote.

OMIM
Classification: Pathogenic for OCULOECTODERMAL SYNDROME, SOMATIC. Last evaluated: 2022-03-09. Review status: no assertion criteria provided. Collection method: literature only. Allele origin: somatic. Not counted in ClinVar's aggregate classification.

GeneReviews
No classification provided. Condition: Encephalocraniocutaneous lipomatosis. Review status: no classification provided. Collection method: literature only. Allele origin: somatic. Not counted in ClinVar's aggregate classification.

Literature cited by the submitters: PubMed 20147967 (cited by Institute for Genomic Medicine (IGM) Clinical Laboratory, Nationwide Children's Hospital and Labcorp Genetics (formerly Invitae), Labcorp); PubMed 34117033 (cited by Institute for Genomic Medicine (IGM) Clinical Laboratory, Nationwide Children's Hospital); PubMed 20570890 (cited by Institute for Genomic Medicine (IGM) Clinical Laboratory, Nationwide Children's Hospital and Labcorp Genetics (formerly Invitae), Labcorp); PubMed 24896186 (cited by Institute for Genomic Medicine (IGM) Clinical Laboratory, Nationwide Children's Hospital); PubMed 27391150 (cited by Institute for Genomic Medicine (IGM) Clinical Laboratory, Nationwide Children's Hospital); PubMed 24452629 (cited by Institute for Genomic Medicine (IGM) Clinical Laboratory, Nationwide Children's Hospital); PubMed 22810696 (cited by Institute for Genomic Medicine (IGM) Clinical Laboratory, Nationwide Children's Hospital); PubMed 27325016 (cited by Institute for Genomic Medicine (IGM) Clinical Laboratory, Nationwide Children's Hospital); PubMed 26110767 (cited by Labcorp Genetics (formerly Invitae), Labcorp); PubMed 25251940 (cited by OMIM); PubMed 26970110 (cited by OMIM and GeneReviews); PubMed 30891959 (cited by OMIM and GeneReviews); PubMed 30289595 (cited by GeneReviews); NCBI Bookshelf NBK576966 (cited by GeneReviews).